The following is an entry in ClinVar:

NM_001370658.1(BTD):c.111T>G (p.Tyr37Ter)

Gene: BTD (biotinidase; plus strand). Cytogenetic location: 3p25.1.
Variant type: single nucleotide variant.
Coding change: c.111T>G on transcript NM_001370658.1 (MANE Select); coding-DNA position 111, T replaced by G.
Protein change: p.Tyr37Ter; replaces tyrosine 37 with a stop codon.
Molecular consequence: nonsense.
Genome position (GRCh38, 1-based): chr3:15,635,550, T>G. VCF-style: chr3-15635550-T-G. GRCh37 (hg19) VCF-style: chr3-15677057-T-G.
Other names: c.171T>G, p.Tyr57Ter (NM_000060.4); c.111T>G, p.Tyr37Ter (NM_001281723.4, NM_001281724.3, NM_001281725.3 and 37 more transcripts); short protein forms Y37*.
Identifiers: ClinVar variation 2680354 (VCV002680354.4), dbSNP rs397514339, ClinGen allele CA278148.

ClinVar aggregate classification (germline): Pathogenic. Review status: criteria provided, multiple submitters, no conflicts (2 of 4 stars). 2 submissions from 2 submitters: Pathogenic (2). Last evaluated 2023-07-11.

Conditions:
Biotinidase deficiency. Also called: BTD deficiency; Late-onset biotin-responsive multiple carboxylase deficiency; Biotin deficiency. Identifiers: Orphanet 79241, MedGen C0220754, MONDO:0009665, OMIM 253260.

Allele frequency attached by ClinVar (database versions not stated): gnomAD exomes below 0.00001.
gnomAD v4.1: 1 of 1,614,172 alleles (0.000062%); highest among the groups gnomAD compares: Non-Finnish European, 0.000085%; no homozygotes.

Submissions (2):

Baylor Genetics
Classification: Pathogenic for Biotinidase deficiency. Last evaluated: 2023-07-11. Review status: criteria provided, single submitter. Criteria: ACMG Guidelines, 2015. Collection method: clinical testing. Allele origin: unknown.

Labcorp Genetics (formerly Invitae), Labcorp
Classification: Pathogenic for Biotinidase deficiency. Last evaluated: 2023-03-19. Review status: criteria provided, single submitter. Criteria: Invitae Variant Classification Sherloc (09022015). Collection method: clinical testing. Allele origin: germline.
Comment: This sequence change creates a premature translational stop signal (p.Tyr57*) in the BTD gene. It is expected to result in an absent or disrupted protein product. Loss-of-function variants in BTD are known to be pathogenic (PMID: 20083419). For these reasons, this variant has been classified as Pathogenic. This premature translational stop signal has been observed in individual(s) with biotinidase deficiency (PMID: 10801053, 17382128). This variant is not present in population databases (gnomAD no frequency).

Literature cited by the submitters: PubMed 20083419 (cited by Labcorp Genetics (formerly Invitae), Labcorp); PubMed 10801053 (cited by Labcorp Genetics (formerly Invitae), Labcorp); PubMed 17382128 (cited by Labcorp Genetics (formerly Invitae), Labcorp).